The following is an entry in ClinVar:

ClinVar aggregate classification (germline): Pathogenic (1 of 4 stars; one submission).

Submission:

Labcorp Genetics (formerly Invitae), Labcorp
Classification: Pathogenic. Last evaluated: 2025-06-12. Review status: criteria provided, single submitter. Criteria: Invitae Variant Classification Sherloc (09022015). Collection method: clinical testing. Allele origin: germline.
Comment: This sequence change creates a premature translational stop signal (p.Ser1072Argfs*8) in the COL4A5 gene. It is expected to result in an absent or disrupted protein product. Loss-of-function variants in COL4A5 are known to be pathogenic (PMID: 9195222, 10752524, 14514738, 24854265, 26809805). This variant is not present in population databases (gnomAD no frequency). This variant has not been reported in the literature in individuals affected with COL4A5-related conditions. ClinVar contains an entry for this variant (Variation ID: 2722195). For these reasons, this variant has been classified as Pathogenic.

Literature cited by the submitters: PubMed 9195222; PubMed 10752524; PubMed 14514738; PubMed 24854265; PubMed 26809805.

NM_033380.3(COL4A5):c.3216_3229del (p.Ser1072fs)

Gene: COL4A5 (collagen type IV alpha 5 chain; plus strand). Cytogenetic location: Xq22.3.
Variant type: Deletion.
Coding change: c.3216_3229del on transcript NM_033380.3 (MANE Select); coding-DNA positions 3216 to 3229, 14 bases deleted (CATTGGTCTTCCAG).
Protein change: p.Ser1072fs; shifts the reading frame from serine 1072.
Molecular consequence: frameshift variant.
Genome position (GRCh38, 1-based): chrX:108,626,319-108,626,332, CATTGGTCTTCCAG deleted; deleting any 14 consecutive bases within chrX:108,626,317-108,626,332 gives the same sequence; the c. name uses the placement nearest the transcript's 3' end. VCF-style (leftmost placement, unchanged base first): chrX-108626316-AAGCATTGGTCTTCC-A. GRCh37 (hg19) VCF-style: chrX-107869546-AAGCATTGGTCTTCC-A.
Other names: c.3216_3229del, p.Ser1072fs (NM_000495.5); short protein forms S1072fs.
Identifiers: ClinVar variation 2722195 (VCV002722195.3), dbSNP rs2524423658, ClinGen allele CA2697544691.